The following is an entry in ClinVar:

NM_005876.5(SPEG):c.1286C>G (p.Pro429Arg)

Gene: SPEG (striated muscle enriched protein kinase; plus strand). Cytogenetic location: 2q35.
Variant type: single nucleotide variant.
Coding change: c.1286C>G on transcript NM_005876.5 (MANE Select); coding-DNA position 1286, C replaced by G.
Protein change: p.Pro429Arg; replaces proline 429 with arginine.
Molecular consequence: missense variant.
Genome position (GRCh38, 1-based): chr2:219,448,444, C>G. VCF-style: chr2-219448444-C-G. GRCh37 (hg19) VCF-style: chr2-220313166-C-G.
Other names: c.1286C>G (NM_005876.4); short protein forms P429R.
Identifiers: ClinVar variation 1900822 (VCV001900822.4), dbSNP rs977153965, ClinGen allele CA66004430.

ClinVar aggregate classification (germline): Uncertain significance. Review status: criteria provided, multiple submitters, no conflicts (2 of 4 stars). 2 submissions from 2 submitters: Uncertain significance (2). Last evaluated 2024-09-04.

Conditions:
Inborn genetic diseases. Identifiers: MedGen C0950123, MeSH D030342.

Allele frequency attached by ClinVar (database versions not stated): gnomAD exomes 0.00001; TOPMed 0.00011; gnomAD 0.00015.
gnomAD v4.1: 35 of 1,510,162 alleles (0.0023%); highest among the groups gnomAD compares: African/African-American, 0.047%; no homozygotes.

Submissions (2):

Ambry Genetics
Classification: Uncertain significance for Inborn genetic diseases. Last evaluated: 2024-09-04. Review status: criteria provided, single submitter. Criteria: Ambry Variant Classification Scheme 2023. Collection method: clinical testing. Allele origin: germline.

Labcorp Genetics (formerly Invitae), Labcorp
Classification: Uncertain significance. Last evaluated: 2022-07-29. Review status: criteria provided, single submitter. Criteria: Invitae Variant Classification Sherloc (09022015). Collection method: clinical testing. Allele origin: germline.
Comment: This variant has not been reported in the literature in individuals affected with SPEG-related conditions. Advanced modeling of protein sequence and biophysical properties (such as structural, functional, and spatial information, amino acid conservation, physicochemical variation, residue mobility, and thermodynamic stability) performed at Invitae indicates that this missense variant is expected to disrupt SPEG protein function. In summary, the available evidence is currently insufficient to determine the role of this variant in disease. Therefore, it has been classified as a Variant of Uncertain Significance. This sequence change replaces proline, which is neutral and non-polar, with arginine, which is basic and polar, at codon 429 of the SPEG protein (p.Pro429Arg). This variant is present in population databases (no rsID available, gnomAD 0.06%).